The following is an entry in ClinVar:

ClinVar aggregate classification (germline): Uncertain significance (1 of 4 stars; one submission).

Conditions:
Hereditary cancer-predisposing syndrome. Also called: Neoplastic Syndromes, Hereditary; Tumor predisposition; Hereditary Cancer Syndrome; Hereditary neoplastic syndrome. Identifiers: Orphanet 140162, MedGen C0027672, MeSH D009386, MONDO:0015356.

gnomAD v4.1: 3 of 1,613,354 alleles (0.00019%); highest among the groups gnomAD compares: Non-Finnish European, 0.00025%; no homozygotes.

Submission:

Ambry Genetics
Classification: Uncertain significance for Hereditary cancer-predisposing syndrome. Last evaluated: 2025-11-01. Review status: criteria provided, single submitter. Criteria: Ambry Variant Classification Scheme 2023. Collection method: clinical testing. Allele origin: germline.
Comment: The p.C274W variant (also known as c.822C>G), located in coding exon 5 of the MSH3 gene, results from a C to G substitution at nucleotide position 822. The cysteine at codon 274 is replaced by tryptophan, an amino acid with highly dissimilar properties. This amino acid position is conserved. In addition, this alteration is predicted to be deleterious by in silico analysis. Based on the available evidence, the clinical significance of this variant remains unclear.

NM_002439.5(MSH3):c.822C>G (p.Cys274Trp)

Gene: MSH3 (mutS homolog 3; plus strand). Cytogenetic location: 5q14.1.
Variant type: single nucleotide variant.
Coding change: c.822C>G on transcript NM_002439.5 (MANE Select); coding-DNA position 822, C replaced by G.
Protein change: p.Cys274Trp; replaces cysteine 274 with tryptophan.
Molecular consequence: missense variant.
Genome position (GRCh38, 1-based): chr5:80,672,273, C>G. VCF-style: chr5-80672273-C-G. GRCh37 (hg19) VCF-style: chr5-79968092-C-G.
Other names: short protein forms C274W.
Identifiers: ClinVar variation 4654693 (VCV004654693.1).